The following is an entry in ClinVar:

ClinVar aggregate classification (germline): Uncertain significance. Review status: criteria provided, multiple submitters, no conflicts (2 of 4 stars). 2 submissions from 2 submitters: Uncertain significance (2). Last evaluated 2025-08-18.

Conditions:
Autosomal recessive limb-girdle muscular dystrophy type 2L (LGMDR12). Also called: Limb-girdle muscular dystrophy, type 2L; MUSCULAR DYSTROPHY, LIMB-GIRDLE, AUTOSOMAL RECESSIVE 12; Limb-Girdle Muscular Dystrophy R12 Anoctamin-5-Related (LGMD-R12). Identifiers: Orphanet 206549, MedGen C1969785, MONDO:0012652, OMIM 611307.
Gnathodiaphyseal dysplasia (GDD). Also called: OSTEOGENESIS IMPERFECTA WITH UNUSUAL SKELETAL LESIONS; GNATHODIAPHYSEAL SCLEROSIS. Identifiers: Orphanet 53697, MedGen C1833736, MONDO:0008151, OMIM 166260.
Inborn genetic diseases. Identifiers: MedGen C0950123, MeSH D030342.

Allele frequency attached by ClinVar (database versions not stated): gnomAD exomes below 0.00001 and 0.00003; ExAC 0.00003.
gnomAD v4.1: 8 of 1,613,614 alleles (0.0005%); highest among the groups gnomAD compares: East Asian, 0.011%; no homozygotes.

Submissions (2):

Labcorp Genetics (formerly Invitae), Labcorp
Classification: Uncertain significance for Autosomal recessive limb-girdle muscular dystrophy type 2L; Gnathodiaphyseal dysplasia. Last evaluated: 2025-08-18. Review status: criteria provided, single submitter. Criteria: Invitae Variant Classification Sherloc (09022015). Collection method: clinical testing. Allele origin: germline.
Comment: This sequence change replaces phenylalanine, which is neutral and non-polar, with leucine, which is neutral and non-polar, at codon 187 of the ANO5 protein (p.Phe187Leu). This variant is present in population databases (rs754808979, gnomAD 0.04%). This variant has not been reported in the literature in individuals affected with ANO5-related conditions. ClinVar contains an entry for this variant (Variation ID: 1055501). Invitae Evidence Modeling of protein sequence and biophysical properties (such as structural, functional, and spatial information, amino acid conservation, physicochemical variation, residue mobility, and thermodynamic stability) has been performed for this missense variant. However, the output from this modeling did not meet the statistical confidence thresholds required to predict the impact of this variant on ANO5 protein function. In summary, the available evidence is currently insufficient to determine the role of this variant in disease. Therefore, it has been classified as a Variant of Uncertain Significance.

Ambry Genetics
Classification: Uncertain significance for Inborn genetic diseases. Last evaluated: 2023-04-18. Review status: criteria provided, single submitter. Criteria: Ambry Variant Classification Scheme 2023. Collection method: clinical testing. Allele origin: germline.

NM_213599.3(ANO5):c.561T>A (p.Phe187Leu)

Gene: ANO5 (anoctamin 5; plus strand). Cytogenetic location: 11p14.3.
Variant type: single nucleotide variant.
Coding change: c.561T>A on transcript NM_213599.3 (MANE Select); coding-DNA position 561, T replaced by A.
Protein change: p.Phe187Leu; replaces phenylalanine 187 with leucine.
Molecular consequence: missense variant.
Genome position (GRCh38, 1-based): chr11:22,227,499, T>A. VCF-style: chr11-22227499-T-A. GRCh37 (hg19) VCF-style: chr11-22249045-T-A.
Other names: c.558T>A, p.Phe186Leu (NM_001142649.2); c.561T>A (NM_213599.2); short protein forms F186L, F187L.
Identifiers: ClinVar variation 1055501 (VCV001055501.10), dbSNP rs754808979, ClinGen allele CA5922946.
Genomic context (GRCh38, chr11:22,227,499, plus strand): 5'-CTATGTGCTTGGACCTGTAAGACTCCCACTGAGTGTGAAGTATCCCCATCCTGAATATTT[T>A]ACTGCACAATTCAGCAGACATCGGCAGGAGCTCTTCCTCATCGAAGATCAGGCAACCTTC-3'
Protein context (NP_998764.1, residues 177-197): LSVKYPHPEY[Phe187Leu]TAQFSRHRQE